The following is an entry in ClinVar:

ClinVar aggregate classification (germline): Uncertain significance (1 of 4 stars; one submission).

Conditions:
Sulfite oxidase deficiency due to molybdenum cofactor deficiency type C. Also called: Molybdenum cofactor deficiency, complementation group C; Molybdenum cofactor deficiency C. Identifiers: Orphanet 308400, Orphanet 833, MedGen C1854990, MONDO:0014212, OMIM 615501.

gnomAD v4.1: 5 of 1,599,318 alleles (0.00031%); highest among the groups gnomAD compares: African/African-American, 0.0013%; no homozygotes.

Submission:

Labcorp Genetics (formerly Invitae), Labcorp
Classification: Uncertain significance for Sulfite oxidase deficiency due to molybdenum cofactor deficiency type C. Last evaluated: 2024-12-07. Review status: criteria provided, single submitter. Criteria: Invitae Variant Classification Sherloc (09022015). Collection method: clinical testing. Allele origin: germline.
Comment: This sequence change replaces alanine, which is neutral and non-polar, with valine, which is neutral and non-polar, at codon 389 of the GPHN protein (p.Ala389Val). This variant is present in population databases (rs756477767, gnomAD 0.007%). This variant has not been reported in the literature in individuals affected with GPHN-related conditions. Invitae Evidence Modeling of protein sequence and biophysical properties (such as structural, functional, and spatial information, amino acid conservation, physicochemical variation, residue mobility, and thermodynamic stability) indicates that this missense variant is not expected to disrupt GPHN protein function with a negative predictive value of 80%. In summary, the available evidence is currently insufficient to determine the role of this variant in disease. Therefore, it has been classified as a Variant of Uncertain Significance.

NM_020806.5(GPHN):c.1166C>T (p.Ala389Val)

Gene: GPHN (gephyrin; plus strand). Cytogenetic location: 14q23.3.
Variant type: single nucleotide variant.
Coding change: c.1166C>T on transcript NM_020806.5 (MANE Select); coding-DNA position 1166, C replaced by T.
Protein change: p.Ala389Val; replaces alanine 389 with valine.
Molecular consequence: missense variant.
Genome position (GRCh38, 1-based): chr14:67,089,004, C>T. VCF-style: chr14-67089004-C-T. GRCh37 (hg19) VCF-style: chr14-67555721-C-T.
Other names: c.1067C>T, p.Ala356Val (NM_001024218.2); c.1226C>T, p.Ala409Val (NM_001377514.1); c.1196C>T, p.Ala399Val (NM_001377515.1); c.1187C>T, p.Ala396Val (NM_001377516.1); c.1139C>T, p.Ala380Val (NM_001377517.1); c.1124C>T, p.Ala375Val (NM_001377518.1); c.1106C>T, p.Ala369Val (NM_001377519.1); short protein forms A356V, A369V, A375V, A380V, A389V, A396V, A399V, A409V.
Identifiers: ClinVar variation 3618868 (VCV003618868.2).